The following is an entry in ClinVar:

NM_022915.5(MRPL44):c.175C>T (p.Arg59Cys)

Gene: MRPL44 (mitochondrial ribosomal protein L44; plus strand). Cytogenetic location: 2q36.1.
Variant type: single nucleotide variant.
Coding change: c.175C>T on transcript NM_022915.5 (MANE Select); coding-DNA position 175, C replaced by T.
Protein change: p.Arg59Cys; replaces arginine 59 with cysteine.
Molecular consequence: missense variant.
Genome position (GRCh38, 1-based): chr2:223,957,647, C>T. VCF-style: chr2-223957647-C-T. GRCh37 (hg19) VCF-style: chr2-224822364-C-T.
Other names: short protein forms R59C.
Identifiers: ClinVar variation 1422025 (VCV001422025.8), dbSNP rs2106115260, ClinGen allele CA350805760.

ClinVar aggregate classification (germline): Uncertain significance (1 of 4 stars; one submission).

Submission:

Labcorp Genetics (formerly Invitae), Labcorp
Classification: Uncertain significance. Last evaluated: 2021-12-03. Review status: criteria provided, single submitter. Criteria: Invitae Variant Classification Sherloc (09022015). Collection method: clinical testing. Allele origin: germline.
Comment: This sequence change replaces arginine, which is basic and polar, with cysteine, which is neutral and slightly polar, at codon 59 of the MRPL44 protein (p.Arg59Cys). This variant is not present in population databases (gnomAD no frequency). This variant has not been reported in the literature in individuals affected with MRPL44-related conditions. Algorithms developed to predict the effect of missense changes on protein structure and function are either unavailable or do not agree on the potential impact of this missense change (SIFT: "Deleterious"; PolyPhen-2: "Possibly Damaging"; Align-GVGD: "Class C15"). In summary, the available evidence is currently insufficient to determine the role of this variant in disease. Therefore, it has been classified as a Variant of Uncertain Significance.